The following is an entry in ClinVar:

NM_001161352.2(KCNMA1):c.2877C>T (p.Ile959=)

Genes: KCNMA1 (potassium calcium-activated channel subfamily M alpha 1; minus strand), KCNMA1-AS1 (KCNMA1 antisense RNA 1; plus strand). Cytogenetic location: 10q22.3.
Variant type: single nucleotide variant.
Coding change: c.2877C>T on transcript NM_001161352.2 (MANE Select); coding-DNA position 2877, C replaced by T.
Protein change: p.Ile959=; no amino-acid change (isoleucine 959 retained).
Molecular consequence: synonymous variant.
Genome position (GRCh38, 1-based): chr10:76,944,798, G>A on the plus strand (C>T on the coding strand, the complement: KCNMA1 is on the minus strand). VCF-style: chr10-76944798-G-A. GRCh37 (hg19) VCF-style: chr10-78704556-G-A.
Other names: c.2715C>T, p.Ile905= (NM_001014797.3, NM_001322835.2, NM_001322837.2); c.2826C>T, p.Ile942= (NM_001161353.2); c.2553C>T, p.Ile851= (NM_001271518.2); c.2712C>T, p.Ile904= (NM_001271519.2, NM_001322829.2, NM_001322836.2); c.2724C>T, p.Ile908= (NM_001322830.2); c.2703C>T, p.Ile901= (NM_001322832.2, NM_002247.4); c.2250C>T, p.Ile750= (NM_001322838.2); c.2703C>T (NM_002247.3).
Identifiers: ClinVar variation 1111817 (VCV001111817.12), dbSNP rs200108144, ClinGen allele CA5567979.

ClinVar aggregate classification (germline): Likely benign. Review status: criteria provided, multiple submitters, no conflicts (2 of 4 stars). 3 submissions from 3 submitters: Likely benign (2). 1 of the submissions does not count toward it. Last evaluated 2025-01-23.

Conditions:
Generalized epilepsy-paroxysmal dyskinesia syndrome (PNKD3). Also called: Paroxysmal nonkinesigenic dyskinesia, 3, with or without generalized epilepsy; Generalized epilepsy and paroxysmal dyskinesia. Identifiers: Orphanet 79137, MedGen C5574945, MONDO:0012276, OMIM 609446.
KCNMA1-related disorder. Also called: KCNMA1-related condition; KCNMA1-related disorders.

Allele frequency attached by ClinVar (database versions not stated): gnomAD 0.00003; TOPMed 0.00004.
gnomAD v4.1: 37 of 1,614,002 alleles (0.0023%); highest among the groups gnomAD compares: Non-Finnish European, 0.0027%; no homozygotes.

Submissions (3):

Labcorp Genetics (formerly Invitae), Labcorp
Classification: Likely benign for Generalized epilepsy-paroxysmal dyskinesia syndrome. Last evaluated: 2025-01-23. Review status: criteria provided, single submitter. Criteria: Invitae Variant Classification Sherloc (09022015). Collection method: clinical testing. Allele origin: germline.

Blueprint Genetics
Classification: Likely benign. Last evaluated: 2023-11-04. Review status: criteria provided, single submitter. Criteria: ACMG Guidelines, 2015. Collection method: clinical testing. Allele origin: germline.

PreventionGenetics, part of Exact Sciences
Classification: Likely benign for KCNMA1-related condition. Last evaluated: 2021-03-30. Review status: no assertion criteria provided. Collection method: clinical testing. Allele origin: germline. Not counted in ClinVar's aggregate classification.
Comment: This variant is classified as likely benign based on ACMG/AMP sequence variant interpretation guidelines (Richards et al. 2015 PMID: 25741868, with internal and published modifications).